The following is an entry in ClinVar:

NM_001378454.1(ALMS1):c.2911G>C (p.Asp971His)

Gene: ALMS1 (ALMS1 centrosome and basal body associated protein; plus strand). Cytogenetic location: 2p13.1.
Variant type: single nucleotide variant.
Coding change: c.2911G>C on transcript NM_001378454.1 (MANE Select); coding-DNA position 2911, G replaced by C.
Protein change: p.Asp971His; replaces aspartic acid 971 with histidine.
Molecular consequence: missense variant.
Genome position (GRCh38, 1-based): chr2:73,449,438, G>C. VCF-style: chr2-73449438-G-C. GRCh37 (hg19) VCF-style: chr2-73676565-G-C.
Other names: c.2914G>C, p.Asp972His (NM_015120.4); short protein forms D971H, D972H.
Identifiers: ClinVar variation 1797612 (VCV001797612.2), dbSNP rs1281703855, ClinGen allele CA347272951.

ClinVar aggregate classification (germline): Uncertain significance (1 of 4 stars; one submission).

Conditions:
Cardiovascular phenotype. Identifiers: MedGen CN230736.

Submission:

Ambry Genetics
Classification: Uncertain significance for Cardiovascular phenotype. Last evaluated: 2022-04-21. Review status: criteria provided, single submitter. Criteria: Ambry Variant Classification Scheme 2023. Collection method: clinical testing. Allele origin: germline.
Comment: The p.D972H variant (also known as c.2914G>C), located in coding exon 8 of the ALMS1 gene, results from a G to C substitution at nucleotide position 2914. The aspartic acid at codon 972 is replaced by histidine, an amino acid with similar properties. This amino acid position is not well conserved in available vertebrate species. In addition, this alteration is predicted to be tolerated by in silico analysis. Since supporting evidence is limited at this time, the clinical significance of this alteration remains unclear.